The following is an entry in ClinVar:

ClinVar aggregate classification (germline): Likely benign. Review status: criteria provided, multiple submitters, no conflicts (2 of 4 stars). 3 submissions from 3 submitters: Likely benign (3). Last evaluated 2025-07-28.

Conditions:
HMCN1-related disorder. Also called: HMCN1-related condition.

Allele frequency attached by ClinVar (database versions not stated): gnomAD 0.00007; 1000 Genomes Project 30x 0.00031; 1000 Genomes Project 0.00040; ExAC 0.00051.
gnomAD v4.1: 321 of 1,612,702 alleles (0.02%); highest among the groups gnomAD compares: South Asian, 0.24%; 5 homozygotes.

Submissions (3):

Labcorp Genetics (formerly Invitae), Labcorp
Classification: Likely benign. Last evaluated: 2025-07-28. Review status: criteria provided, single submitter. Criteria: Invitae Variant Classification Sherloc (09022015). Collection method: clinical testing. Allele origin: germline.

PreventionGenetics, part of Exact Sciences
Classification: Likely benign for HMCN1-related condition. Last evaluated: 2025-03-12. Review status: criteria provided, single submitter. Criteria: ACMG Guidelines, 2015. Collection method: clinical testing. Allele origin: germline.
Comment: This variant is classified as likely benign based on ACMG/AMP sequence variant interpretation guidelines (Richards et al. 2015 PMID: 25741868, with internal and published modifications).

Blueprint Genetics
Classification: Likely benign. Last evaluated: 2024-11-13. Review status: criteria provided, single submitter. Criteria: ACMG Guidelines, 2015. Collection method: clinical testing. Allele origin: germline.

NM_031935.3(HMCN1):c.7568A>C (p.Asp2523Ala)

Gene: HMCN1 (hemicentin 1; plus strand). Cytogenetic location: 1q31.1.
Variant type: single nucleotide variant.
Coding change: c.7568A>C on transcript NM_031935.3 (MANE Select); coding-DNA position 7568, A replaced by C.
Protein change: p.Asp2523Ala; replaces aspartic acid 2523 with alanine.
Molecular consequence: missense variant.
Genome position (GRCh38, 1-based): chr1:186,065,292, A>C. VCF-style: chr1-186065292-A-C. GRCh37 (hg19) VCF-style: chr1-186034424-A-C.
Other names: c.7568A>C (NM_031935.2); short protein forms D2523A.
Identifiers: ClinVar variation 2072956 (VCV002072956.6), dbSNP rs536487843, ClinGen allele CA1292890.
Genomic context (GRCh38, chr1:186,065,292, plus strand): 5'-TTACAGGGAATCCAGTGCCAGAAATTACATGGCACAAAGATGGGCAGCCCCTCCAAGAAG[A>C]TGAAGCCCATCACATTATATCTGGTGGCCGTTTTCTTCAAATTACCAATGTCCAGGTGCC-3'
Protein context (NP_114141.2, residues 2513-2533): WHKDGQPLQE[Asp2523Ala]EAHHIISGGR